The following is an entry in ClinVar:

ClinVar aggregate classification (germline): Uncertain significance. Review status: criteria provided, multiple submitters, no conflicts (2 of 4 stars). 3 submissions from 3 submitters: Uncertain significance (3). Last evaluated 2025-05-23.

Conditions:
Cardiovascular phenotype. Identifiers: MedGen CN230736.
Hereditary cancer-predisposing syndrome. Also called: Tumor predisposition; Hereditary neoplastic syndrome; Hereditary Cancer Syndrome; Neoplastic Syndromes, Hereditary. Identifiers: Orphanet 140162, MedGen C0027672, MeSH D009386, MONDO:0015356.

Allele frequency attached by ClinVar (database versions not stated): TOPMed 0.00001.

Submissions (3):

Ambry Genetics
Classification: Uncertain significance for Cardiovascular phenotype; Hereditary cancer-predisposing syndrome. Last evaluated: 2025-05-23. Review status: criteria provided, single submitter. Criteria: Ambry Variant Classification Scheme 2023. Collection method: clinical testing. Allele origin: germline.
Comment: The p.R67W variant (also known as c.199C>T), located in coding exon 1 of the LZTR1 gene, results from a C to T substitution at nucleotide position 199. The arginine at codon 67 is replaced by tryptophan, an amino acid with dissimilar properties. This amino acid position is highly conserved in available vertebrate species. In addition, this alteration is predicted to be deleterious by in silico analysis. Based on the available evidence, the clinical significance of this variant remains unclear.

Labcorp Genetics (formerly Invitae), Labcorp
Classification: Uncertain significance. Last evaluated: 2025-01-14. Review status: criteria provided, single submitter. Criteria: Invitae Variant Classification Sherloc (09022015). Collection method: clinical testing. Allele origin: germline.
Comment: This sequence change replaces arginine, which is basic and polar, with tryptophan, which is neutral and slightly polar, at codon 67 of the LZTR1 protein (p.Arg67Trp). This variant is not present in population databases (gnomAD no frequency). This variant has not been reported in the literature in individuals affected with LZTR1-related conditions. ClinVar contains an entry for this variant (Variation ID: 3018834). An algorithm developed to predict the effect of missense changes on protein structure and function (PolyPhen-2) suggests that this variant is likely to be disruptive. In summary, the available evidence is currently insufficient to determine the role of this variant in disease. Therefore, it has been classified as a Variant of Uncertain Significance.

GeneDx
Classification: Uncertain significance. Last evaluated: 2024-02-20. Review status: criteria provided, single submitter. Criteria: GeneDx Variant Classification Process June 2021. Collection method: clinical testing. Allele origin: germline. Affected: yes.
Comment: Not observed at significant frequency in large population cohorts (gnomAD); In silico analysis supports that this missense variant has a deleterious effect on protein structure/function; Has not been previously published as pathogenic or benign to our knowledge

NM_006767.4(LZTR1):c.199C>T (p.Arg67Trp)

Gene: LZTR1 (leucine zipper like post translational regulator 1; plus strand). Cytogenetic location: 22q11.21.
Variant type: single nucleotide variant.
Coding change: c.199C>T on transcript NM_006767.4 (MANE Select); coding-DNA position 199, C replaced by T.
Protein change: p.Arg67Trp; replaces arginine 67 with tryptophan.
Molecular consequence: missense variant.
Genome position (GRCh38, 1-based): chr22:20,982,570, C>T. VCF-style: chr22-20982570-C-T. GRCh37 (hg19) VCF-style: chr22-21336859-C-T.
Other names: c.199C>T (NM_006767.3); short protein forms R67W.
Identifiers: ClinVar variation 3018834 (VCV003018834.5), dbSNP rs1270620798, ClinGen allele CA410778192.
Genomic context (GRCh38, chr22:20,982,570, plus strand): 5'-CCCTTCGAAACAGTGCATCGCTGGCGGCGCCTCCCGCCCTGCGACGAGTTCGTGGGTGCC[C>T]GGTACGGTGGGCTTCATGGGGTCCTGAGGACAGGAAGGGCGATCTGCGAGGGTCCCAGGG-3'
Protein context (NP_006758.2, residues 57-77): LPPCDEFVGA[Arg67Trp]RSKHTVVAYK